The following is an entry in ClinVar:

NM_014727.3(KMT2B):c.6017A>G (p.Glu2006Gly)

Gene: KMT2B (lysine methyltransferase 2B; plus strand). Cytogenetic location: 19q13.12.
Variant type: single nucleotide variant.
Coding change: c.6017A>G on transcript NM_014727.3 (MANE Select); coding-DNA position 6017, A replaced by G.
Protein change: p.Glu2006Gly; replaces glutamic acid 2006 with glycine.
Molecular consequence: missense variant.
Genome position (GRCh38, 1-based): chr19:35,732,566, A>G. VCF-style: chr19-35732566-A-G. GRCh37 (hg19) VCF-style: chr19-36223467-A-G.
Other names: short protein forms E2006G.
Identifiers: ClinVar variation 3012966 (VCV003012966.3), dbSNP rs2513351502, ClinGen allele CA405425217.

ClinVar aggregate classification (germline): Uncertain significance (1 of 4 stars; one submission).

Allele frequency attached by ClinVar (database versions not stated): gnomAD exomes below 0.00001.
gnomAD v4.1: 1 of 1,613,626 alleles (0.000062%); highest among the groups gnomAD compares: Non-Finnish European, 0.000085%; no homozygotes.

Submission:

Labcorp Genetics (formerly Invitae), Labcorp
Classification: Uncertain significance. Last evaluated: 2023-10-05. Review status: criteria provided, single submitter. Criteria: Invitae Variant Classification Sherloc (09022015). Collection method: clinical testing. Allele origin: germline.
Comment: This sequence change replaces glutamic acid, which is acidic and polar, with glycine, which is neutral and non-polar, at codon 2006 of the KMT2B protein (p.Glu2006Gly). This variant is not present in population databases (gnomAD no frequency). This variant has not been reported in the literature in individuals affected with KMT2B-related conditions. Advanced modeling of protein sequence and biophysical properties (such as structural, functional, and spatial information, amino acid conservation, physicochemical variation, residue mobility, and thermodynamic stability) performed at Invitae indicates that this missense variant is not expected to disrupt KMT2B protein function. In summary, the available evidence is currently insufficient to determine the role of this variant in disease. Therefore, it has been classified as a Variant of Uncertain Significance.